The following is an entry in ClinVar:

ClinVar aggregate classification (germline): Likely benign. Review status: criteria provided, multiple submitters, no conflicts (2 of 4 stars). 4 submissions from 4 submitters: Likely benign (4). Last evaluated 2026-01-06.

Conditions:
Cardiovascular phenotype. Identifiers: MedGen CN230736.
Cardiomyopathy (CMYO). Also called: Cardiomyopathies. Identifiers: Orphanet 167848, MedGen C0878544, MONDO:0004994, HP:0001638. Inheritance: Various modes of inheritance.
Arrhythmogenic right ventricular dysplasia 9 (ARVD9). Also called: Arrhythmogenic Right Ventricular Dysplasia/Cardiomyopathy 9; ARRHYTHMOGENIC RIGHT VENTRICULAR DYSPLASIA, FAMILIAL, 9. Identifiers: MedGen C1836906, MONDO:0012180, OMIM 609040.
Arrhythmogenic right ventricular cardiomyopathy (ARVD). Also called: Arrhythmogenic cardiomyopathy; Arrhythmogenic Right Ventricular Cardiomyopathy (ARVC); Cardiomyopathy, ARVC; Arrhythmogenic right ventricular dysplasia. Identifiers: Orphanet 247, MedGen C0349788, MeSH D019571, MONDO:0016587. Disease mechanism: loss of function. Inheritance: Various modes of inheritance.

Allele frequency attached by ClinVar (database versions not stated): gnomAD exomes 0.00002 and 0.00005; ExAC 0.00004; gnomAD 0.00005; ESP Exome Variant Server 0.00008; TOPMed 0.00012.

Submissions (4):

Labcorp Genetics (formerly Invitae), Labcorp
Classification: Likely benign for Arrhythmogenic right ventricular dysplasia 9. Last evaluated: 2026-01-06. Review status: criteria provided, single submitter. Criteria: Invitae Variant Classification Sherloc (09022015). Collection method: clinical testing. Allele origin: germline.

All of Us Research Program, National Institutes of Health
Classification: Likely benign for Arrhythmogenic right ventricular cardiomyopathy. Last evaluated: 2023-12-13. Review status: criteria provided, single submitter. Criteria: ACMG Guidelines, 2015. Collection method: clinical testing. Allele origin: germline. Inheritance: Autosomal dominant inheritance. Observed: 7 variant alleles, 7 heterozygotes.
Comment: This study involves interpretation of variants in research participants for the purpose of population health screening. Participant phenotype was not available at the time of variant classification. Additional details can be found in publication PMID: 35346344, PMCID: PMC8962531

Color Diagnostics, LLC DBA Color Health
Classification: Likely benign for Cardiomyopathy. Last evaluated: 2018-10-08. Review status: criteria provided, single submitter. Criteria: ACMG Guidelines, 2015. Collection method: clinical testing. Allele origin: germline.

Ambry Genetics
Classification: Likely benign for Cardiovascular phenotype. Last evaluated: 2018-05-09. Review status: criteria provided, single submitter. Criteria: Ambry Variant Classification Scheme 2023. Collection method: clinical testing. Allele origin: germline.

NM_001005242.3(PKP2):c.576G>A (p.Pro192=)

Gene: PKP2 (plakophilin 2; minus strand). Cytogenetic location: 12p11.21.
Variant type: single nucleotide variant.
Coding change: c.576G>A on transcript NM_001005242.3 (MANE Select); coding-DNA position 576, G replaced by A.
Protein change: p.Pro192=; no amino-acid change (proline 192 retained).
Molecular consequence: synonymous variant.
Genome position (GRCh38, 1-based): chr12:32,878,304, C>T on the plus strand (G>A on the coding strand, the complement: PKP2 is on the minus strand). VCF-style: chr12-32878304-C-T. GRCh37 (hg19) VCF-style: chr12-33031238-C-T.
Other names: c.576G>A, p.Pro192= (NM_004572.4).
Identifiers: ClinVar variation 533051 (VCV000533051.16), dbSNP rs373380483, ClinGen allele CA038055.